The following is an entry in ClinVar:

ClinVar aggregate classification (germline): Pathogenic (1 of 4 stars; one submission).

Submission:

Labcorp Genetics (formerly Invitae), Labcorp
Classification: Pathogenic. Last evaluated: 2021-01-04. Review status: criteria provided, single submitter. Criteria: Invitae Variant Classification Sherloc (09022015). Collection method: clinical testing. Allele origin: germline.
Comment: This sequence change replaces alanine with proline at codon 393 of the FH protein (p.Ala393Pro). The alanine residue is highly conserved and there is a small physicochemical difference between alanine and proline. This variant is not present in population databases (ExAC no frequency). This variant has been observed in individual(s) with clinical features of hereditary leiomyomatosis and renal cell cancer (Invitae). In at least one individual the variant was observed to be de novo. Advanced modeling of protein sequence and biophysical properties (such as structural, functional, and spatial information, amino acid conservation, physicochemical variation, residue mobility, and thermodynamic stability) performed at Invitae indicates that this missense variant is expected to disrupt FH protein function. For these reasons, this variant has been classified as Pathogenic.

NM_000143.4(FH):c.1177G>C (p.Ala393Pro)

Gene: FH (fumarate hydratase; minus strand). Cytogenetic location: 1q43.
Variant type: single nucleotide variant.
Coding change: c.1177G>C on transcript NM_000143.4 (MANE Select); coding-DNA position 1177, G replaced by C.
Protein change: p.Ala393Pro; replaces alanine 393 with proline.
Molecular consequence: missense variant.
Genome position (GRCh38, 1-based): chr1:241,502,502, C>G on the plus strand (G>C on the coding strand, the complement: FH is on the minus strand). VCF-style: chr1-241502502-C-G. GRCh37 (hg19) VCF-style: chr1-241665802-C-G.
Other names: short protein forms A393P.
Identifiers: ClinVar variation 1060809 (VCV001060809.9), dbSNP rs2147914910, ClinGen allele CA345437415.